The following is an entry in ClinVar:

ClinVar aggregate classification (germline): Uncertain significance (1 of 4 stars; one submission).

Conditions:
Joubert syndrome. Also called: CEREBELLOPARENCHYMAL DISORDER IV; JOUBERT-BOLTSHAUSER SYNDROME; Familial aplasia of the vermis. Identifiers: Orphanet 475, MedGen C5979921, MONDO:0018772.
Meckel-Gruber syndrome. Also called: DYSENCEPHALIA SPLANCHNOCYSTICA; GRUBER SYNDROME; Dysencephalia splachnocystica. Identifiers: Orphanet 564, MedGen C0265215, MONDO:0018921.

Submission:

Labcorp Genetics (formerly Invitae), Labcorp
Classification: Uncertain significance for Joubert syndrome; Meckel-Gruber syndrome. Last evaluated: 2021-11-14. Review status: criteria provided, single submitter. Criteria: Invitae Variant Classification Sherloc (09022015). Collection method: clinical testing. Allele origin: germline.
Comment: This sequence change replaces methionine, which is neutral and non-polar, with lysine, which is basic and polar, at codon 1037 of the RPGRIP1L protein (p.Met1037Lys). In summary, the available evidence is currently insufficient to determine the role of this variant in disease. Therefore, it has been classified as a Variant of Uncertain Significance. Algorithms developed to predict the effect of missense changes on protein structure and function (SIFT, PolyPhen-2, Align-GVGD) all suggest that this variant is likely to be tolerated. This variant has not been reported in the literature in individuals affected with RPGRIP1L-related conditions. This variant is not present in population databases (gnomAD no frequency).

NM_015272.5(RPGRIP1L):c.3110T>A (p.Met1037Lys)

Gene: RPGRIP1L (RPGRIP1 like; minus strand). Cytogenetic location: 16q12.2.
Variant type: single nucleotide variant.
Coding change: c.3110T>A on transcript NM_015272.5 (MANE Select); coding-DNA position 3110, T replaced by A.
Protein change: p.Met1037Lys; replaces methionine 1037 with lysine.
Molecular consequence: missense variant.
Genome position (GRCh38, 1-based): chr16:53,637,805, A>T on the plus strand (T>A on the coding strand, the complement: RPGRIP1L is on the minus strand). VCF-style: chr16-53637805-A-T. GRCh37 (hg19) VCF-style: chr16-53671717-A-T.
Other names: c.3008T>A, p.Met1003Lys (NM_001127897.4, NM_001330538.2); c.3110T>A, p.Met1037Lys (NM_001308334.3); short protein forms M1037K, M1003K.
Identifiers: ClinVar variation 1406192 (VCV001406192.6), dbSNP rs2151036636, ClinGen allele CA395926365.